The following is an entry in ClinVar:

ClinVar aggregate classification (germline): Uncertain significance (1 of 4 stars; one submission).

Conditions:
Dyskeratosis congenita, autosomal dominant 6 (DKCA6). Identifiers: Orphanet 3322, MedGen C4225284, MONDO:0014690, OMIM 616553.

Submission:

Labcorp Genetics (formerly Invitae), Labcorp
Classification: Uncertain significance for Dyskeratosis congenita, autosomal dominant 6. Last evaluated: 2023-03-14. Review status: criteria provided, single submitter. Criteria: Invitae Variant Classification Sherloc (09022015). Collection method: clinical testing. Allele origin: germline.
Comment: In summary, the available evidence is currently insufficient to determine the role of this variant in disease. Therefore, it has been classified as a Variant of Uncertain Significance. Algorithms developed to predict the effect of sequence changes on RNA splicing suggest that this variant may create or strengthen a splice site. This variant has not been reported in the literature in individuals affected with ACD-related conditions. This variant is not present in population databases (gnomAD no frequency). This sequence change falls in intron 6 of the ACD gene. It does not directly change the encoded amino acid sequence of the ACD protein.

NM_001082486.2(ACD):c.494-11C>G

Gene: ACD (ACD shelterin complex subunit and telomerase recruitment factor; minus strand). Cytogenetic location: 16q22.1.
Variant type: single nucleotide variant.
Coding change: c.494-11C>G on transcript NM_001082486.2 (MANE Select); 11 bases into the intron before coding-DNA position 494, C replaced by G.
Molecular consequence: intron variant.
Genome position (GRCh38, 1-based): chr16:67,659,090, G>C on the plus strand (C>G on the coding strand, the complement: ACD is on the minus strand). VCF-style: chr16-67659090-G-C. GRCh37 (hg19) VCF-style: chr16-67692993-G-C.
Other names: c.485-11C>G (NM_022914.3); c.494-11C>G (NM_001410884.1).
Identifiers: ClinVar variation 3000643 (VCV003000643.3), dbSNP rs368882788, ClinGen allele CA723057299.